The following is an entry in ClinVar:

NM_000293.3(PHKB):c.80C>T (p.Ser27Leu)

Gene: PHKB (phosphorylase kinase regulatory subunit beta; plus strand). Cytogenetic location: 16q12.1.
Variant type: single nucleotide variant.
Coding change: c.80C>T on transcript NM_000293.3 (MANE Select); coding-DNA position 80, C replaced by T.
Protein change: p.Ser27Leu; replaces serine 27 with leucine.
Molecular consequence: missense variant.
Genome position (GRCh38, 1-based): chr16:47,497,402, C>T. VCF-style: chr16-47497402-C-T. GRCh37 (hg19) VCF-style: chr16-47531313-C-T.
Other names: c.59C>T, p.Ser20Leu (NM_001031835.3); c.80C>T, p.Ser27Leu (NM_001363837.1); short protein forms S27L, S20L.
Identifiers: ClinVar variation 1978388 (VCV001978388.4), dbSNP rs769640225, ClinGen allele CA8040372.
Genomic context (GRCh38, chr16:47,497,402, plus strand): 5'-CTTTGTTTATCTTTGTGAAAATGACTGAATTTGATGGGTTTTTATTTTTTCTTTTAGGCT[C>T]AGTTTATGAACCTCTTAAAAGCATTAATCTTCCAAGACCTGATAATGAAACTCTCTGGGA-3'
Protein context (NP_000284.1, residues 17-37): ERRARTKRSG[Ser27Leu]VYEPLKSINL

ClinVar aggregate classification (germline): Uncertain significance (1 of 4 stars; one submission).

Conditions:
Glycogen storage disease IXb (GSD9B). Also called: PHOSPHORYLASE KINASE DEFICIENCY OF LIVER AND MUSCLE, AUTOSOMAL RECESSIVE; GLYCOGENOSIS OF LIVER AND MUSCLE, AUTOSOMAL RECESSIVE; GSD IXb. Identifiers: Orphanet 79240, MedGen C0543514, MONDO:0009868, OMIM 261750.

Allele frequency attached by ClinVar (database versions not stated): TOPMed below 0.00001; ExAC 0.00001.
gnomAD v4.1: 7 of 1,586,830 alleles (0.00044%); highest among the groups gnomAD compares: Admixed American, 0.012%; no homozygotes.

Submission:

Labcorp Genetics (formerly Invitae), Labcorp
Classification: Uncertain significance for Glycogen storage disease IXb. Last evaluated: 2022-07-06. Review status: criteria provided, single submitter. Criteria: Invitae Variant Classification Sherloc (09022015). Collection method: clinical testing. Allele origin: germline.
Comment: In summary, the available evidence is currently insufficient to determine the role of this variant in disease. Therefore, it has been classified as a Variant of Uncertain Significance. Algorithms developed to predict the effect of missense changes on protein structure and function are either unavailable or do not agree on the potential impact of this missense change (SIFT: "Deleterious"; PolyPhen-2: "Probably Damaging"; Align-GVGD: "Class C0"). This variant has not been reported in the literature in individuals affected with PHKB-related conditions. This variant is present in population databases (rs769640225, gnomAD 0.02%). This sequence change replaces serine, which is neutral and polar, with leucine, which is neutral and non-polar, at codon 27 of the PHKB protein (p.Ser27Leu).